The following is an entry in ClinVar:

NM_000317.3(PTS):c.164-716A>T

Gene: PTS (6-pyruvoyltetrahydropterin synthase; plus strand). Cytogenetic location: 11q23.1.
Variant type: single nucleotide variant.
Coding change: c.164-716A>T on transcript NM_000317.3 (MANE Select); 716 bases into the intron before coding-DNA position 164, A replaced by T.
Molecular consequence: intron variant.
Genome position (GRCh38, 1-based): chr11:112,229,492, A>T. VCF-style: chr11-112229492-A-T. GRCh37 (hg19) VCF-style: chr11-112100215-A-T.
Identifiers: ClinVar variation 1303149 (VCV001303149.5), dbSNP rs1859903893, ClinGen allele CA2000618018.

ClinVar aggregate classification (germline): Conflicting classifications of pathogenicity. Review status: criteria provided, conflicting classifications (1 of 4 stars). 2 submissions from 2 submitters: Likely pathogenic (1); Uncertain significance (1). Last evaluated 2026-01-14.

Conditions:
6-Pyruvoyl-tetrahydrobiopterin synthase deficiency. Also called: PTS DEFICIENCY; 6-Pyruvoyltetrahydropterin Synthase Deficiency; BH4-deficient hyperphenylalaninemia A; HYPERPHENYLALANINEMIA, TETRAHYDROBIOPTERIN-DEFICIENT, DUE TO PTS DEFICIENCY; PTS-Related Tetrahydrobiopterin Deficiency; Hyperphenylalanemia, BH4-deficient, A. Identifiers: Orphanet 13, Orphanet 238583, MedGen C0878676, MONDO:0009863, OMIM 261640.

Allele frequency attached by ClinVar (database versions not stated): TOPMed 0.00001.

Submissions (2):

Labcorp Genetics (formerly Invitae), Labcorp
Classification: Likely pathogenic for 6-Pyruvoyl-tetrahydrobiopterin synthase deficiency. Last evaluated: 2026-01-14. Review status: criteria provided, single submitter. Criteria: Invitae Variant Classification Sherloc (09022015). Collection method: clinical testing. Allele origin: germline.
Comment: This sequence change falls in intron 2 of the PTS gene. It does not directly change the encoded amino acid sequence of the PTS protein. This variant is not present in population databases (gnomAD no frequency). This variant has been observed in individual(s) with tetrahydrobiopterin (BH4)-deficient hyperphenylalaninemia (PMID: 21542064). In at least one individual the data is consistent with being in trans (on the opposite chromosome) from a pathogenic variant. This variant is also known as c.164-712A>T. ClinVar contains an entry for this variant (Variation ID: 1303149). Studies have shown that this variant does not significantly alter or has an unclear effect on PTS gene expression (PMID: 21542064). Algorithms developed to predict the effect of sequence changes on RNA splicing suggest that this variant may create or strengthen a splice site. In summary, the currently available evidence indicates that the variant is pathogenic, but additional data are needed to prove that conclusively. Therefore, this variant has been classified as Likely Pathogenic.

GeneDx
Classification: Uncertain significance. Last evaluated: 2020-06-02. Review status: criteria provided, single submitter. Criteria: GeneDx Variant Classification Process June 2021. Collection method: clinical testing. Allele origin: germline. Affected: yes.
Comment: In silico analysis supports that this variant does not alter splicing; This variant is associated with the following publications: (PMID: 21542064)

Literature cited by the submitters: PubMed 21542064 (cited by Labcorp Genetics (formerly Invitae), Labcorp).